The following is an entry in ClinVar:

NM_032578.4(MYPN):c.3484T>C (p.Ser1162Pro)

Gene: MYPN (myopalladin; plus strand). Cytogenetic location: 10q21.3.
Variant type: single nucleotide variant.
Coding change: c.3484T>C on transcript NM_032578.4 (MANE Select); coding-DNA position 3484, T replaced by C.
Protein change: p.Ser1162Pro; replaces serine 1162 with proline.
Molecular consequence: missense variant. On other transcripts: non-coding transcript variant (2).
Genome position (GRCh38, 1-based): chr10:68,199,566, T>C. VCF-style: chr10-68199566-T-C. GRCh37 (hg19) VCF-style: chr10-69959323-T-C.
Other names: c.3484T>C, p.Ser1162Pro (NM_001256267.2); c.2602T>C, p.Ser868Pro (NM_001256268.2); short protein forms S868P, S1162P.
Identifiers: ClinVar variation 1489827 (VCV001489827.8), dbSNP rs2134300719, ClinGen allele CA376859441.
Genomic context (GRCh38, chr10:68,199,566, plus strand): 5'-GGGACCTATAAGTGCATCGCTACCAACAAAACCGGGCAGAATTCTTTTAGTCTGGAGCTC[T>C]CTGTAGTAGGTAAGGTTTGCTGCTGGGACCCCTAAACACAACTTCCTCCAAAGTCATTAC-3'
Protein context (NP_115967.2, residues 1152-1172): TGQNSFSLEL[Ser1162Pro]VVAKEVKKAP

ClinVar aggregate classification (germline): Uncertain significance (1 of 4 stars; one submission).

Conditions:
Dilated cardiomyopathy 1KK (CMD1KK). Identifiers: Orphanet 154, Orphanet 75249, MedGen C3714995, MONDO:0014100, OMIM 615248.

Submission:

Labcorp Genetics (formerly Invitae), Labcorp
Classification: Uncertain significance for Dilated cardiomyopathy 1KK. Last evaluated: 2021-01-25. Review status: criteria provided, single submitter. Criteria: Invitae Variant Classification Sherloc (09022015). Collection method: clinical testing. Allele origin: germline.
Comment: This sequence change replaces serine with proline at codon 1162 of the MYPN protein (p.Ser1162Pro). The serine residue is weakly conserved and there is a moderate physicochemical difference between serine and proline. This variant is not present in population databases (ExAC no frequency). This variant has not been reported in the literature in individuals with MYPN-related conditions. Algorithms developed to predict the effect of missense changes on protein structure and function (SIFT, PolyPhen-2, Align-GVGD) all suggest that this variant is likely to be tolerated, but these predictions have not been confirmed by published functional studies and their clinical significance is uncertain. In summary, the available evidence is currently insufficient to determine the role of this variant in disease. Therefore, it has been classified as a Variant of Uncertain Significance.